The following is an entry in ClinVar:

ClinVar aggregate classification (germline): Benign. Review status: criteria provided, multiple submitters, no conflicts (2 of 4 stars). 3 submissions from 3 submitters: Benign (2). 1 of the submissions does not count toward it. Last evaluated 2026-02-01.

Conditions:
OPLAH-related disorder. Also called: OPLAH-related condition.
5-Oxoprolinase deficiency (OPLAHD). Also called: 5-OXOPROLINURIA DUE TO 5-OXOPROLINASE DEFICIENCY. Identifiers: Orphanet 33572, MedGen C0268525, MONDO:0009825, OMIM 260005, HP:0040142.

Allele frequency attached by ClinVar (database versions not stated): ExAC 0.06136; ESP Exome Variant Server 0.08628; gnomAD exomes 0.06128; 1000 Genomes Project 30x 0.06683; 1000 Genomes Project 0.06689.
gnomAD v4.1: 113,145 of 1,610,308 alleles (7%); highest among the groups gnomAD compares: African/African-American, 13%; 4,401 homozygotes.

Submissions (3):

Labcorp Genetics (formerly Invitae), Labcorp
Classification: Benign for 5-Oxoprolinase deficiency. Last evaluated: 2026-02-01. Review status: criteria provided, single submitter. Criteria: Invitae Variant Classification Sherloc (09022015). Collection method: clinical testing. Allele origin: germline.

Breakthrough Genomics
Classification: Benign. Review status: criteria provided, single submitter. Criteria: ACMG Guidelines, 2015. Collection method: not provided. Allele origin: germline. Inheritance: Autosomal recessive inheritance. Affected: yes.

PreventionGenetics, part of Exact Sciences
Classification: Benign for OPLAH-related condition. Last evaluated: 2019-12-18. Review status: no assertion criteria provided. Collection method: clinical testing. Allele origin: germline. Not counted in ClinVar's aggregate classification.
Comment: This variant is classified as benign based on ACMG/AMP sequence variant interpretation guidelines (Richards et al. 2015 PMID: 25741868, with internal and published modifications).

NM_017570.5(OPLAH):c.222C>T (p.Ile74=)

Gene: OPLAH (5-oxoprolinase, ATP-hydrolysing; minus strand). Cytogenetic location: 8q24.3.
Variant type: single nucleotide variant.
Coding change: c.222C>T on transcript NM_017570.5 (MANE Select); coding-DNA position 222, C replaced by T.
Protein change: p.Ile74=; no amino-acid change (isoleucine 74 retained).
Molecular consequence: synonymous variant.
Genome position (GRCh38, 1-based): chr8:144,059,740, G>A on the plus strand (C>T on the coding strand, the complement: OPLAH is on the minus strand). VCF-style: chr8-144059740-G-A. GRCh37 (hg19) VCF-style: chr8-145114643-G-A.
Other names: c.222C>T (NM_017570.4).
Identifiers: ClinVar variation 1164522 (VCV001164522.10), dbSNP rs6558292, ClinGen allele CA4932351.